The following is an entry in ClinVar:

ClinVar aggregate classification (germline): Uncertain significance (1 of 4 stars; one submission).

Conditions:
Dilated cardiomyopathy 1J (CMD1J). Also called: CARDIOMYOPATHY, DILATED, WITH SENSORINEURAL HEARING LOSS, AUTOSOMAL DOMINANT. Identifiers: Orphanet 217622, MedGen C1854368, MONDO:0011541, OMIM 605362.

Submission:

Labcorp Genetics (formerly Invitae), Labcorp
Classification: Uncertain significance for Dilated cardiomyopathy 1J. Last evaluated: 2024-03-30. Review status: criteria provided, single submitter. Criteria: Invitae Variant Classification Sherloc (09022015). Collection method: clinical testing. Allele origin: germline.
Comment: This sequence change replaces threonine, which is neutral and polar, with alanine, which is neutral and non-polar, at codon 179 of the EYA4 protein (p.Thr179Ala). This variant is not present in population databases (gnomAD no frequency). This variant has not been reported in the literature in individuals affected with EYA4-related conditions. An algorithm developed to predict the effect of missense changes on protein structure and function (PolyPhen-2) suggests that this variant is likely to be tolerated. In summary, the available evidence is currently insufficient to determine the role of this variant in disease. Therefore, it has been classified as a Variant of Uncertain Significance.

NM_004100.5(EYA4):c.535A>G (p.Thr179Ala)

Gene: EYA4 (EYA transcriptional coactivator and phosphatase 4; plus strand). Cytogenetic location: 6q23.2.
Variant type: single nucleotide variant.
Coding change: c.535A>G on transcript NM_004100.5 (MANE Select); coding-DNA position 535, A replaced by G.
Protein change: p.Thr179Ala; replaces threonine 179 with alanine.
Molecular consequence: missense variant.
Genome position (GRCh38, 1-based): chr6:133,462,432, A>G. VCF-style: chr6-133462432-A-G. GRCh37 (hg19) VCF-style: chr6-133783570-A-G.
Other names: c.373A>G, p.Thr125Ala (NM_001301012.2, NM_001370459.1); c.535A>G, p.Thr179Ala (NM_001301013.2, NM_172105.4); c.466A>G, p.Thr156Ala (NM_001370458.1, NM_172103.4); short protein forms T125A, T179A, T156A.
Identifiers: ClinVar variation 3684444 (VCV003684444.2).